The following is an entry in ClinVar:

ClinVar aggregate classification (germline): Uncertain significance (1 of 4 stars; one submission).

Allele frequency attached by ClinVar (database versions not stated): gnomAD exomes below 0.00001.
gnomAD v4.1: 1 of 1,614,080 alleles (0.000062%); highest among the groups gnomAD compares: Non-Finnish European, 0.000085%; no homozygotes.

Submission:

Labcorp Genetics (formerly Invitae), Labcorp
Classification: Uncertain significance. Last evaluated: 2025-08-21. Review status: criteria provided, single submitter. Criteria: Invitae Variant Classification Sherloc (09022015). Collection method: clinical testing. Allele origin: germline.
Comment: This sequence change replaces arginine, which is basic and polar, with methionine, which is neutral and non-polar, at codon 175 of the STN1 protein (p.Arg175Met). This variant is not present in population databases (gnomAD no frequency). This variant has not been reported in the literature in individuals affected with STN1-related conditions. ClinVar contains an entry for this variant (Variation ID: 1445661). Invitae Evidence Modeling of protein sequence and biophysical properties (such as structural, functional, and spatial information, amino acid conservation, physicochemical variation, residue mobility, and thermodynamic stability) indicates that this missense variant is expected to disrupt STN1 protein function with a positive predictive value of 80%. In summary, the available evidence is currently insufficient to determine the role of this variant in disease. Therefore, it has been classified as a Variant of Uncertain Significance.

NM_024928.5(STN1):c.524G>T (p.Arg175Met)

Gene: STN1 (STN1 subunit of CST complex; minus strand). Cytogenetic location: 10q24.33.
Variant type: single nucleotide variant.
Coding change: c.524G>T on transcript NM_024928.5 (MANE Select); coding-DNA position 524, G replaced by T.
Protein change: p.Arg175Met; replaces arginine 175 with methionine.
Molecular consequence: missense variant.
Genome position (GRCh38, 1-based): chr10:103,898,934, C>A on the plus strand (G>T on the coding strand, the complement: STN1 is on the minus strand). VCF-style: chr10-103898934-C-A. GRCh37 (hg19) VCF-style: chr10-105658692-C-A.
Other names: short protein forms R175M.
Identifiers: ClinVar variation 1445661 (VCV001445661.8), dbSNP rs2134365808, ClinGen allele CA378046387.